The following is an entry in ClinVar:

NM_002224.4(ITPR3):c.3547T>G (p.Cys1183Gly)

Gene: ITPR3 (inositol 1,4,5-trisphosphate receptor type 3; plus strand). Cytogenetic location: 6p21.31.
Variant type: single nucleotide variant.
Coding change: c.3547T>G on transcript NM_002224.4 (MANE Select); coding-DNA position 3547, T replaced by G.
Protein change: p.Cys1183Gly; replaces cysteine 1183 with glycine.
Molecular consequence: missense variant.
Genome position (GRCh38, 1-based): chr6:33,677,528, T>G. VCF-style: chr6-33677528-T-G. GRCh37 (hg19) VCF-style: chr6-33645305-T-G.
Other names: short protein forms C1183G.
Identifiers: ClinVar variation 4687073 (VCV004687073.1).

ClinVar aggregate classification (germline): Uncertain significance (1 of 4 stars; one submission).

Submission:

GeneDx
Classification: Uncertain significance. Last evaluated: 2025-07-25. Review status: criteria provided, single submitter. Criteria: GeneDx Variant Classification Process June 2021. Collection method: clinical testing. Allele origin: germline. Affected: yes.
Comment: Not observed at significant frequency in large population cohorts (gnomAD); In silico analysis supports that this missense variant has a deleterious effect on protein structure/function; Has not been previously published as pathogenic or benign to our knowledge